The following is an entry in ClinVar:

NM_000374.5(UROD):c.583_611del (p.Leu195fs)

Gene: UROD (uroporphyrinogen decarboxylase; plus strand). Cytogenetic location: 1p34.1.
Variant type: Deletion.
Coding change: c.583_611del on transcript NM_000374.5 (MANE Select); coding-DNA positions 583 to 611, 29 bases deleted (CTCACTGATGCTCTGGTCCCATATCTGGT).
Protein change: p.Leu195fs; shifts the reading frame from leucine 195.
Molecular consequence: frameshift variant. On other transcripts: non-coding transcript variant (3).
Genome position (GRCh38, 1-based): chr1:45,014,017-45,014,045, CTCACTGATGCTCTGGTCCCATATCTGGT deleted. VCF-style (leftmost placement, unchanged base first): chr1-45014016-CCTCACTGATGCTCTGGTCCCATATCTGGT-C. GRCh37 (hg19) VCF-style: chr1-45479688-CCTCACTGATGCTCTGGTCCCATATCTGGT-C.
Other names: short protein forms L195fs.
Identifiers: ClinVar variation 1298341 (VCV001298341.1), dbSNP rs2148982945, ClinGen allele CA2499214758.

ClinVar aggregate classification (germline): Likely pathogenic (1 of 4 stars; one submission).

Conditions:
Familial porphyria cutanea tarda (PCT). Also called: PCT, ''FAMILIAL'' TYPE; PCT, TYPE II; PORPHYRIA CUTANEA TARDA, TYPE II; PORPHYRIA, HEPATOCUTANEOUS TYPE; UROD DEFICIENCY; UROPORPHYRINOGEN DECARBOXYLASE DEFICIENCY. Identifiers: Orphanet 101330, Orphanet 443062, MedGen C0268323, MONDO:0008296, OMIM 176100.

Submission:

Breda Genetics srl
Classification: Likely pathogenic for Familial porphyria cutanea tarda. Last evaluated: 2021-04-30. Review status: criteria provided, single submitter. Criteria: ACMG Guidelines, 2015. Collection method: clinical testing. Allele origin: inherited. Observed: 1 variant allele, 1 heterozygote.
Comment: The variant c.583_611del (Leu195Argfs*14) creates a shift in the reading frame which is predicted to result in a premature stop codon 14 amino acids downstream and in a truncated protein or protein loss due to nonsense-mediated messenger decay (NMD). This variant has not been reported in dbSNP, gnomAD or ClinVar.